The following is an entry in ClinVar:

NM_006565.4(CTCF):c.1033C>T (p.His345Tyr)

Gene: CTCF (CCCTC-binding factor; plus strand). Cytogenetic location: 16q22.1.
Variant type: single nucleotide variant.
Coding change: c.1033C>T on transcript NM_006565.4 (MANE Select); coding-DNA position 1033, C replaced by T.
Protein change: p.His345Tyr; replaces histidine 345 with tyrosine.
Molecular consequence: missense variant.
Genome position (GRCh38, 1-based): chr16:67,616,825, C>T. VCF-style: chr16-67616825-C-T. GRCh37 (hg19) VCF-style: chr16-67650728-C-T.
Other names: c.49C>T, p.His17Tyr (NM_001191022.2); c.1033C>T, p.His345Tyr (NM_001363916.2); short protein forms H17Y, H345Y.
Identifiers: ClinVar variation 2505870 (VCV002505870.1), dbSNP rs2142839619, ClinGen allele CA396312315.
Genomic context (GRCh38, chr16:67,616,825, plus strand): 5'-CCAGACTGCGACATGGCCTTTGTGACCAGTGGAGAATTGGTTCGGCATCGTCGTTACAAA[C>T]ACACCCACGAGAAGCCATTCAAGTGTTCCATGTGCGATTACGCCAGTGTAGAAGTGAGTG-3'
Protein context (NP_006556.1, residues 335-355): GELVRHRRYK[His345Tyr]THEKPFKCSM

ClinVar aggregate classification (germline): Likely pathogenic (1 of 4 stars; one submission).

Submission:

GeneDx
Classification: Likely pathogenic. Last evaluated: 2022-12-16. Review status: criteria provided, single submitter. Criteria: GeneDx Variant Classification Process June 2021. Collection method: clinical testing. Allele origin: germline. Affected: yes.
Comment: Not observed at significant frequency in large population cohorts (gnomAD); In silico analysis supports that this missense variant has a deleterious effect on protein structure/function; This variant is associated with the following publications: (PMID: 32170002, Sheyanth2020[poster])